The following is an entry in ClinVar:

ClinVar aggregate classification (germline): Likely benign (1 of 4 stars; one submission).

gnomAD v4.1: 30 of 1,614,116 alleles (0.0019%); highest among the groups gnomAD compares: South Asian, 0.015%; no homozygotes.

Submission:

CeGaT Center for Human Genetics Tuebingen
Classification: Likely benign. Last evaluated: 2025-05-01. Review status: criteria provided, single submitter. Criteria: CeGaT Center For Human Genetics Tuebingen Variant Classification Criteria Version 2. Collection method: clinical testing. Allele origin: germline. Affected: yes. Observed: 1 variant allele.
Comment: ELP2: BP4, BP7

NM_018255.4(ELP2):c.291T>G (p.Leu97=)

Gene: ELP2 (elongator acetyltransferase complex subunit 2; plus strand). Cytogenetic location: 18q12.2.
Variant type: single nucleotide variant.
Coding change: c.291T>G on transcript NM_018255.4 (MANE Select); coding-DNA position 291, T replaced by G.
Protein change: p.Leu97=; no amino-acid change (leucine 97 retained).
Molecular consequence: synonymous variant. On other transcripts: 5 prime UTR variant (1), non-coding transcript variant (4).
Genome position (GRCh38, 1-based): chr18:36,138,272, T>G. VCF-style: chr18-36138272-T-G. GRCh37 (hg19) VCF-style: chr18-33718235-T-G.
Other names: c.291T>G, p.Leu97= (NM_001242875.3, NM_001242876.3, NM_001242877.3 and 5 more transcripts); c.-157T>G (NM_001324468.2).
Identifiers: ClinVar variation 3905331 (VCV003905331.10).